The following is an entry in ClinVar:

ClinVar aggregate classification (germline): Uncertain significance. Review status: criteria provided, multiple submitters, no conflicts (2 of 4 stars). 2 submissions from 2 submitters: Uncertain significance (2). Last evaluated 2025-11-01.

Conditions:
Methylcobalamin deficiency type cblE (HMAE). Also called: VITAMIN B12-RESPONSIVE HOMOCYSTINURIA, cblE TYPE; HOMOCYSTINURIA-MEGALOBLASTIC ANEMIA, cblE TYPE; HOMOCYSTINURIA-MEGALOBLASTIC ANEMIA, cblE COMPLEMENTATION TYPE. Identifiers: Orphanet 2169, Orphanet 622, MedGen C1856057, MONDO:0009354, OMIM 236270.
Inborn genetic diseases. Identifiers: MedGen C0950123, MeSH D030342.

Allele frequency attached by ClinVar (database versions not stated): gnomAD exomes 0.00001; TOPMed 0.00001; ExAC 0.00002.
gnomAD v4.1: 10 of 1,614,170 alleles (0.00062%); highest among the groups gnomAD compares: South Asian, 0.0055%; no homozygotes.

Submissions (2):

Labcorp Genetics (formerly Invitae), Labcorp
Classification: Uncertain significance for Methylcobalamin deficiency type cblE. Last evaluated: 2025-11-01. Review status: criteria provided, single submitter. Criteria: Invitae Variant Classification Sherloc (09022015). Collection method: clinical testing. Allele origin: germline.
Comment: This sequence change replaces histidine, which is basic and polar, with arginine, which is basic and polar, at codon 339 of the MTRR protein (p.His339Arg). This variant is present in population databases (rs771787194, gnomAD 0.01%). This variant has not been reported in the literature in individuals affected with MTRR-related conditions. ClinVar contains an entry for this variant (Variation ID: 3021367). An algorithm developed to predict the effect of missense changes on protein structure and function (PolyPhen-2) suggests that this variant is likely to be tolerated. In summary, the available evidence is currently insufficient to determine the role of this variant in disease. Therefore, it has been classified as a Variant of Uncertain Significance.

Ambry Genetics
Classification: Uncertain significance for Inborn genetic diseases. Last evaluated: 2025-10-30. Review status: criteria provided, single submitter. Criteria: Ambry Variant Classification Scheme 2023. Collection method: clinical testing. Allele origin: germline.

NM_002454.3(MTRR):c.1016A>G (p.His339Arg)

Gene: MTRR (5-methyltetrahydrofolate-homocysteine methyltransferase reductase; plus strand). Cytogenetic location: 5p15.31.
Variant type: single nucleotide variant.
Coding change: c.1016A>G on transcript NM_002454.3 (MANE Select); coding-DNA position 1016, A replaced by G.
Protein change: p.His339Arg; replaces histidine 339 with arginine.
Molecular consequence: missense variant. On other transcripts: non-coding transcript variant (14).
Genome position (GRCh38, 1-based): chr5:7,885,813, A>G. VCF-style: chr5-7885813-A-G. GRCh37 (hg19) VCF-style: chr5-7885926-A-G.
Other names: c.1016A>G (NM_002454.2); c.1016A>G, p.His339Arg (NM_001364440.2, NM_001364441.2, NM_001364442.2 and 1 more transcripts); short protein forms H339R.
Identifiers: ClinVar variation 3021367 (VCV003021367.4), dbSNP rs771787194, ClinGen allele CA3195785.